The following is an entry in ClinVar:

NM_000444.6(PHEX):c.1079+2_1079+5del

Gene: PHEX (phosphate regulating endopeptidase X-linked; plus strand). Cytogenetic location: Xp22.11.
Variant type: Deletion.
Coding change: c.1079+2_1079+5del on transcript NM_000444.6 (MANE Select); the canonical splice donor site of the intron after coding-DNA position 1079 through 5 bases into the intron after coding-DNA position 1079, 4 bases deleted (TAAG; older notation c.1079+2_1079+5delTAAG).
Molecular consequence: splice donor variant.
Genome position (GRCh38, 1-based): chrX:22,099,153-22,099,156, TAAG deleted; deleting any 4 consecutive bases within chrX:22,099,150-22,099,156 gives the same sequence; the c. name uses the placement nearest the transcript's 3' end. VCF-style (leftmost placement, unchanged base first): chrX-22099149-GAAGT-G. GRCh37 (hg19) VCF-style: chrX-22117267-GAAGT-G.
Other names: c.1079+2_1079+5del (NM_001282754.2); c.1079+2_1079+5delTAAG (NM_000444.6).
Identifiers: ClinVar variation 1455354 (VCV001455354.8), dbSNP rs2147047571, ClinGen allele CA2573158761.

ClinVar aggregate classification (germline): Pathogenic. Review status: criteria provided, multiple submitters, no conflicts (2 of 4 stars). 2 submissions from 2 submitters: Pathogenic (2). Last evaluated 2025-01-22.

Conditions:
Familial X-linked hypophosphatemic vitamin D refractory rickets (XLHRD). Also called: Hypophosphatemia, vitamin D-resistant rickets; Vitamin D-resistant rickets, X-linked; X-Linked Hypophosphatemia; HYPOPHOSPHATEMIC VITAMIN D-RESISTANT RICKETS; Hypophosphatemic Rickets, X-Linked Dominant. Identifiers: Orphanet 89936, MedGen C0733682, MONDO:0010619, OMIM 307800.

Submissions (2):

Women's Health and Genetics/Laboratory Corporation of America, LabCorp
Classification: Pathogenic for Familial X-linked hypophosphatemic vitamin D refractory rickets. Last evaluated: 2025-01-22. Review status: criteria provided, single submitter. Criteria: LabCorp Variant Classification Summary - May 2015. Collection method: clinical testing. Allele origin: germline.
Comment: Variant summary: PHEX c.1079+2_1079+5delTAAG is located in a canonical splice-site and is predicted to affect mRNA splicing resulting in a significantly altered protein due to either exon skipping, shortening, or inclusion of intronic material. Variants that disrupt the consensus splice site are a relatively common cause of aberrant splicing and loss of PHEX function. Several computational tools predict a significant impact on normal splicing: Three predict the variant abolishes a 5' splicing donor site. However, these predictions have yet to be confirmed by functional studies. The variant was absent in 183253 control chromosomes (gnomAD). c.1079+2_1079+5delTAAG has been reported in the literature in individuals affected with X-Linked Hypophosphatemic Rickets (e.g. Pronicka_2004, Gaucher_2009, Lin_2021). These data indicate that the variant is likely to be associated with disease. To our knowledge, no experimental evidence demonstrating an impact on protein function has been reported. The following publications have been ascertained in the context of this evaluation (PMID: 15057978, 19219621, 34141703). ClinVar contains an entry for this variant (Variation ID: 1455354). Based on the evidence outlined above, the variant was classified as pathogenic.

Labcorp Genetics (formerly Invitae), Labcorp
Classification: Pathogenic. Last evaluated: 2021-07-31. Review status: criteria provided, single submitter. Criteria: Invitae Variant Classification Sherloc (09022015). Collection method: clinical testing. Allele origin: germline.
Comment: This sequence change affects a splice site in intron 9 of the PHEX gene. It is expected to disrupt RNA splicing. Variants that disrupt the donor or acceptor splice site typically lead to a loss of protein function (PMID: 16199547), and loss-of-function variants in PHEX are known to be pathogenic (PMID: 9097956, 9106524, 19219621). This variant is not present in population databases (ExAC no frequency). Disruption of this splice site has been observed in individual(s) with X-linked hypophosphatemia (PMID: 14564066). This variant is also known as IVS9 +2 taag del. Algorithms developed to predict the effect of sequence changes on RNA splicing suggest that this variant may disrupt the consensus splice site. For these reasons, this variant has been classified as Pathogenic.

Literature cited by the submitters: PubMed 15057978 (cited by Women's Health and Genetics/Laboratory Corporation of America, LabCorp); PubMed 34141703 (cited by Women's Health and Genetics/Laboratory Corporation of America, LabCorp); PubMed 19219621 (cited by Women's Health and Genetics/Laboratory Corporation of America, LabCorp and Labcorp Genetics (formerly Invitae), Labcorp); PubMed 16199547 (cited by Labcorp Genetics (formerly Invitae), Labcorp); PubMed 9097956 (cited by Labcorp Genetics (formerly Invitae), Labcorp); PubMed 9106524 (cited by Labcorp Genetics (formerly Invitae), Labcorp); PubMed 14564066 (cited by Labcorp Genetics (formerly Invitae), Labcorp).